The following is an entry in ClinVar:

ClinVar aggregate classification (germline): Uncertain significance (1 of 4 stars; one submission).

Allele frequency attached by ClinVar (database versions not stated): gnomAD 0.00002 and 0.00003; TOPMed 0.00003.
gnomAD v4.1: 29 of 1,611,766 alleles (0.0018%); highest among the groups gnomAD compares: Non-Finnish European, 0.0023%; no homozygotes.

Submission:

Labcorp Genetics (formerly Invitae), Labcorp
Classification: Uncertain significance. Last evaluated: 2022-06-30. Review status: criteria provided, single submitter. Criteria: Invitae Variant Classification Sherloc (09022015). Collection method: clinical testing. Allele origin: germline.
Comment: This sequence change replaces aspartic acid, which is acidic and polar, with histidine, which is basic and polar, at codon 694 of the TTC37 protein (p.Asp694His). This variant is present in population databases (rs576329664, gnomAD 0.004%). This variant has not been reported in the literature in individuals affected with TTC37-related conditions. ClinVar contains an entry for this variant (Variation ID: 1369136). Algorithms developed to predict the effect of missense changes on protein structure and function are either unavailable or do not agree on the potential impact of this missense change (SIFT: "Tolerated"; PolyPhen-2: "Possibly Damaging"; Align-GVGD: "Class C0"). In summary, the available evidence is currently insufficient to determine the role of this variant in disease. Therefore, it has been classified as a Variant of Uncertain Significance.

NM_014639.4(SKIC3):c.2080G>C (p.Asp694His)

Gene: SKIC3 (SKI3 subunit of superkiller complex; minus strand). Cytogenetic location: 5q15.
Variant type: single nucleotide variant.
Coding change: c.2080G>C on transcript NM_014639.4 (MANE Select); coding-DNA position 2080, G replaced by C.
Protein change: p.Asp694His; replaces aspartic acid 694 with histidine.
Molecular consequence: missense variant.
Genome position (GRCh38, 1-based): chr5:95,520,750, C>G on the plus strand (G>C on the coding strand, the complement: SKIC3 is on the minus strand). VCF-style: chr5-95520750-C-G. GRCh37 (hg19) VCF-style: chr5-94856454-C-G.
Other names: short protein forms D694H.
Identifiers: ClinVar variation 1369136 (VCV001369136.5), dbSNP rs576329664, ClinGen allele CA3347171.
Genomic context (GRCh38, chr5:95,520,750, plus strand): 5'-CAATAAATAATAAGAATAATACGAACCAAGTAAAATATTCCAGTGCTTTTTCTATGTAGT[C>G]TACGGCTTTTCCATCAAGATAATCAACTAGAGCTGCTTTTGCCATCATAAGATGGCATTC-3'
Protein context (NP_055454.1, residues 684-704): LVDYLDGKAV[Asp694His]YIEKALEYFT